The following is an entry in ClinVar:

NM_017947.4(MOCOS):c.431G>A (p.Arg144His)

Gene: MOCOS (molybdenum cofactor sulfurase; plus strand). Cytogenetic location: 18q12.2.
Variant type: single nucleotide variant.
Coding change: c.431G>A on transcript NM_017947.4 (MANE Select); coding-DNA position 431, G replaced by A.
Protein change: p.Arg144His; replaces arginine 144 with histidine.
Molecular consequence: missense variant.
Genome position (GRCh38, 1-based): chr18:36,199,814, G>A. VCF-style: chr18-36199814-G-A. GRCh37 (hg19) VCF-style: chr18-33779777-G-A.
Other names: c.431G>A (NM_017947.2); short protein forms R144H.
Identifiers: ClinVar variation 1129148 (VCV001129148.10), dbSNP rs141483411, ClinGen allele CA8940430.

ClinVar aggregate classification (germline): Likely benign. Review status: criteria provided, multiple submitters, no conflicts (2 of 4 stars). 2 submissions from 2 submitters: Likely benign (2). Last evaluated 2026-05-01.

Conditions:
MOCOS-related disorder. Also called: MOCOS-related condition.
Xanthinuria type II. Also called: Xanthine dehydrogenase and aldehyde oxidase combined deficiency of; XDH and AOX dual deficiency. Identifiers: Orphanet 3467, Orphanet 93602, MedGen C1863688, MONDO:0011346, OMIM 603592.

Allele frequency attached by ClinVar (database versions not stated): 1000 Genomes Project 0.00060; 1000 Genomes Project 30x 0.00078; gnomAD 0.00135 and 0.00148; TOPMed 0.00138; ESP Exome Variant Server 0.00177.
gnomAD v4.1: 357 of 1,614,094 alleles (0.022%); highest among the groups gnomAD compares: African/African-American, 0.42%; 2 homozygotes.

Submissions (2):

PreventionGenetics, part of Exact Sciences
Classification: Likely benign for MOCOS-related condition. Last evaluated: 2026-05-01. Review status: criteria provided, single submitter. Criteria: ACMG Guidelines, 2015. Collection method: clinical testing. Allele origin: germline.
Comment: This variant is classified as likely benign based on ACMG/AMP sequence variant interpretation guidelines (Richards et al. 2015 PMID: 25741868, with internal and published modifications).

Labcorp Genetics (formerly Invitae), Labcorp
Classification: Likely benign for Xanthinuria type II. Last evaluated: 2026-01-05. Review status: criteria provided, single submitter. Criteria: Invitae Variant Classification Sherloc (09022015). Collection method: clinical testing. Allele origin: germline.